The following is an entry in ClinVar:

ClinVar aggregate classification (germline): Uncertain significance (1 of 4 stars; one submission).

Conditions:
Hypertrophic cardiomyopathy. Also called: HYPERTROPHIC MYOCARDIOPATHY. Identifiers: Orphanet 217569, MedGen C0007194, MeSH D002312, MONDO:0005045, HP:0001639.

Submission:

Labcorp Genetics (formerly Invitae), Labcorp
Classification: Uncertain significance for Hypertrophic cardiomyopathy. Last evaluated: 2025-12-29. Review status: criteria provided, single submitter. Criteria: Invitae Variant Classification Sherloc (09022015). Collection method: clinical testing. Allele origin: germline.
Comment: This sequence change replaces methionine, which is neutral and non-polar, with isoleucine, which is neutral and non-polar, at codon 865 of the MYBPC3 protein (p.Met865Ile). This variant is not present in population databases (gnomAD no frequency). This variant has not been reported in the literature in individuals affected with MYBPC3-related conditions. An algorithm developed to predict the effect of missense changes on protein structure and function (PolyPhen-2) suggests that this variant is likely to be tolerated. In summary, the available evidence is currently insufficient to determine the role of this variant in disease. Therefore, it has been classified as a Variant of Uncertain Significance.

NM_000256.3(MYBPC3):c.2595G>A (p.Met865Ile)

Gene: MYBPC3 (myosin binding protein C3; minus strand). Cytogenetic location: 11p11.2.
Variant type: single nucleotide variant.
Coding change: c.2595G>A on transcript NM_000256.3 (MANE Select); coding-DNA position 2595, G replaced by A.
Protein change: p.Met865Ile; replaces methionine 865 with isoleucine.
Molecular consequence: missense variant.
Genome position (GRCh38, 1-based): chr11:47,337,398, C>T on the plus strand (G>A on the coding strand, the complement: MYBPC3 is on the minus strand). VCF-style: chr11-47337398-C-T. GRCh37 (hg19) VCF-style: chr11-47358949-C-T.
Other names: short protein forms M865I.
Identifiers: ClinVar variation 4734058 (VCV004734058.1).
Genomic context (GRCh38, chr11:47,337,398, plus strand): 5'-AGGTTTTTAACTGGGGAGGGGGCGGGGGGCAGGACCAGGCCAGGCAGGCTCACCGATAGG[C>T]ATGAAGGGCTGGGAGGCAGGGCTGGGCCTGGACATGCCGATGGCGTTGACCGCGTAGACG-3'
Protein context (NP_000247.2, residues 855-875): SRPSPASQPF[Met865Ile]PIGPPSEPTH